The following is an entry in ClinVar:

NM_201384.3(PLEC):c.7118A>T (p.Gln2373Leu)

Gene: PLEC (plectin; minus strand). Cytogenetic location: 8q24.3.
Variant type: single nucleotide variant.
Coding change: c.7118A>T on transcript NM_201384.3 (MANE Select); coding-DNA position 7118, A replaced by T.
Protein change: p.Gln2373Leu; replaces glutamine 2373 with leucine.
Molecular consequence: missense variant. On other transcripts: intron variant (1).
Genome position (GRCh38, 1-based): chr8:143,922,811, T>A on the plus strand (A>T on the coding strand, the complement: PLEC is on the minus strand). VCF-style: chr8-143922811-T-A. GRCh37 (hg19) VCF-style: chr8-144996979-T-A.
Other names: c.7199A>T (NM_000445.3); c.7199A>T, p.Gln2400Leu (NM_000445.5); c.7076A>T, p.Gln2359Leu (NM_201378.4); c.7052A>T, p.Gln2351Leu (NM_201379.3); c.7529A>T, p.Gln2510Leu (NM_201380.4); c.7022A>T, p.Gln2341Leu (NM_201381.3); c.7118A>T, p.Gln2373Leu (NM_201382.4); c.7130A>T, p.Gln2377Leu (NM_201383.3); and 1 more; short protein forms Q2341L, Q2351L, Q2359L, Q2373L, Q2377L, Q2400L, Q2510L.
Identifiers: ClinVar variation 3761089 (VCV003761089.3).
Genomic context (GRCh38, chr8:143,922,811, plus strand): 5'-CTCATCTCGGCCACACGCAGCTTGAGGCGCTCAGCCTCAGCGCTCATCTCCAGCTGCCGC[T>A]GCCGCTCGGCCTCCAGCGTCCGCTGGAAGCCCTGCGTCTCCTCCGCCAGCTGCTGCGCCA-3'
Protein context (NP_958786.1, residues 2363-2383): GFQRTLEAER[Gln2373Leu]RQLEMSAEAE

ClinVar aggregate classification (germline): Uncertain significance. Review status: criteria provided, multiple submitters, no conflicts (2 of 4 stars). 2 submissions from 2 submitters: Uncertain significance (2). Last evaluated 2025-10-29.

Conditions:
Inborn genetic diseases. Identifiers: MedGen C0950123, MeSH D030342.
Epidermolysis bullosa simplex with nail dystrophy (EBS5D). Identifiers: MedGen C4225309, MONDO:0014661, OMIM 616487.
Epidermolysis bullosa simplex, Ogna type (EBS5A). Also called: EPIDERMOLYSIS BULLOSA SIMPLEX 5A, OGNA TYPE; Pidermolysis bullosa simplex 5A, Ogna type. Identifiers: Orphanet 79401, MedGen C0432317, MONDO:0007555, OMIM 131950.
Autosomal recessive limb-girdle muscular dystrophy type 2Q (LGMDR17). Also called: MUSCULAR DYSTROPHY, LIMB-GIRDLE, AUTOSOMAL RECESSIVE 17. Identifiers: Orphanet 254361, MedGen C3150989, MONDO:0013390, OMIM 613723.
Epidermolysis bullosa simplex 5B, with muscular dystrophy (EBS5B). Also called: EPIDERMOLYSIS BULLOSA SIMPLEX AND LIMB-GIRDLE MUSCULAR DYSTROPHY; Epidermolysis bullosa simplex with muscular dystrophy. Identifiers: Orphanet 257, MedGen C2931072, MONDO:0009181, OMIM 226670.
Epidermolysis bullosa simplex 5C, with pyloric atresia (EBS5C). Also called: PLEC1-Related Epidermolysis Bullosa with Pyloric Atresia; PLEC-Related Epidermolysis Bullosa with Pyloric Atresia; Epidermolysis bullosa simplex with pyloric atresia. Identifiers: Orphanet 158684, MedGen C2677349, MONDO:0012807, OMIM 612138.

gnomAD v4.1: 9 of 1,587,452 alleles (0.00057%); highest among the groups gnomAD compares: South Asian, 0.01%; no homozygotes.

Submissions (2):

Ambry Genetics
Classification: Uncertain significance for Inborn genetic diseases. Last evaluated: 2025-10-29. Review status: criteria provided, single submitter. Criteria: Ambry Variant Classification Scheme 2023. Collection method: clinical testing. Allele origin: germline.

Labcorp Genetics (formerly Invitae), Labcorp
Classification: Uncertain significance for Autosomal recessive limb-girdle muscular dystrophy type 2Q; Epidermolysis bullosa simplex, Ogna type; Epidermolysis bullosa simplex with nail dystrophy; Epidermolysis bullosa simplex 5C, with pyloric atresia; Epidermolysis bullosa simplex 5B, with muscular dystrophy. Last evaluated: 2024-07-16. Review status: criteria provided, single submitter. Criteria: Invitae Variant Classification Sherloc (09022015). Collection method: clinical testing. Allele origin: germline.
Comment: This sequence change replaces glutamine, which is neutral and polar, with leucine, which is neutral and non-polar, at codon 2400 of the PLEC protein (p.Gln2400Leu). This variant is present in population databases (rs538700739, gnomAD 0.01%). This variant has not been reported in the literature in individuals affected with PLEC-related conditions. Advanced modeling of protein sequence and biophysical properties (such as structural, functional, and spatial information, amino acid conservation, physicochemical variation, residue mobility, and thermodynamic stability) performed at Invitae indicates that this missense variant is not expected to disrupt PLEC protein function with a negative predictive value of 80%. In summary, the available evidence is currently insufficient to determine the role of this variant in disease. Therefore, it has been classified as a Variant of Uncertain Significance.